The following is an entry in ClinVar:

ClinVar aggregate classification (germline): Uncertain significance (1 of 4 stars; one submission).

Allele frequency attached by ClinVar (database versions not stated): gnomAD 0.00001.

Submission:

Labcorp Genetics (formerly Invitae), Labcorp
Classification: Uncertain significance. Last evaluated: 2025-10-03. Review status: criteria provided, single submitter. Criteria: Invitae Variant Classification Sherloc (09022015). Collection method: clinical testing. Allele origin: germline.
Comment: This sequence change falls in intron 35 of the TOP2B gene. It does not directly change the encoded amino acid sequence of the TOP2B protein. It affects a nucleotide within the consensus splice site. This variant is present in population databases (rs373886372, gnomAD 0.006%). This variant has not been reported in the literature in individuals affected with TOP2B-related conditions. ClinVar contains an entry for this variant (Variation ID: 1444177). Variants that disrupt the consensus splice site are a relatively common cause of aberrant splicing (PMID: 17576681, 9536098). Algorithms developed to predict the effect of sequence changes on RNA splicing suggest that this variant is not likely to affect RNA splicing. In summary, the available evidence is currently insufficient to determine the role of this variant in disease. Therefore, it has been classified as a Variant of Uncertain Significance.

Literature cited by the submitters: PubMed 17576681; PubMed 9536098.

NM_001330700.2(TOP2B):c.4710+6C>T

Gene: TOP2B (DNA topoisomerase II beta; minus strand). Cytogenetic location: 3p24.2.
Variant type: single nucleotide variant.
Coding change: c.4710+6C>T on transcript NM_001330700.2 (MANE Select); 6 bases into the intron after coding-DNA position 4710, C replaced by T.
Molecular consequence: intron variant.
Genome position (GRCh38, 1-based): chr3:25,599,429, G>A on the plus strand (C>T on the coding strand, the complement: TOP2B is on the minus strand). VCF-style: chr3-25599429-G-A. GRCh37 (hg19) VCF-style: chr3-25640920-G-A.
Other names: c.4695+6C>T (NM_001068.3).
Identifiers: ClinVar variation 1444177 (VCV001444177.6), dbSNP rs373886372, ClinGen allele CA2288014.